The following is an entry in ClinVar:

NM_001204.7(BMPR2):c.10T>G (p.Ser4Ala)

Gene: BMPR2 (bone morphogenetic protein receptor type 2; plus strand). Cytogenetic location: 2q33.1.
Variant type: single nucleotide variant.
Coding change: c.10T>G on transcript NM_001204.7 (MANE Select); coding-DNA position 10, T replaced by G.
Protein change: p.Ser4Ala; replaces serine 4 with alanine.
Molecular consequence: missense variant.
Genome position (GRCh38, 1-based): chr2:202,377,484, T>G. VCF-style: chr2-202377484-T-G. GRCh37 (hg19) VCF-style: chr2-203242207-T-G.
Other names: p.Ser4Ala; short protein forms S4A.
Identifiers: ClinVar variation 3379411 (VCV003379411.1).

ClinVar aggregate classification (germline): Uncertain significance (1 of 4 stars; one submission).

Submission:

Mayo Clinic Laboratories, Mayo Clinic
Classification: Uncertain significance. Last evaluated: 2024-04-17. Review status: criteria provided, single submitter. Criteria: ACMG Guidelines, 2015. Collection method: clinical testing. Allele origin: germline. Observed: 1 variant allele.
Comment: BP4, PM2